The following is an entry in ClinVar:

ClinVar aggregate classification (germline): Uncertain significance (1 of 4 stars; one submission).

Conditions:
Cardiovascular phenotype. Identifiers: MedGen CN230736.

gnomAD v4.1: 14 of 1,549,030 alleles (0.0009%); highest among the groups gnomAD compares: South Asian, 0.0059%; no homozygotes.

Submission:

Ambry Genetics
Classification: Uncertain significance for Cardiovascular phenotype. Last evaluated: 2022-03-03. Review status: criteria provided, single submitter. Criteria: Ambry Variant Classification Scheme 2023. Collection method: clinical testing. Allele origin: germline.
Comment: The p.A2644T variant (also known as c.7930G>A), located in coding exon 2 of the ZNF469 gene, results from a G to A substitution at nucleotide position 7930. The alanine at codon 2644 is replaced by threonine, an amino acid with similar properties. This amino acid position is conserved. In addition, this alteration is predicted to be tolerated by in silico analysis. Since supporting evidence is limited at this time, the clinical significance of this alteration remains unclear.

NM_001367624.2(ZNF469):c.8014G>A (p.Ala2672Thr)

Gene: ZNF469 (zinc finger protein 469; plus strand). Cytogenetic location: 16q24.2.
Variant type: single nucleotide variant.
Coding change: c.8014G>A on transcript NM_001367624.2 (MANE Select); coding-DNA position 8014, G replaced by A.
Protein change: p.Ala2672Thr; replaces alanine 2672 with threonine.
Molecular consequence: missense variant.
Genome position (GRCh38, 1-based): chr16:88,435,484, G>A. VCF-style: chr16-88435484-G-A. GRCh37 (hg19) VCF-style: chr16-88501892-G-A.
Other names: NM_001127464.1:c.7930G>A; short protein forms A2672T.
Identifiers: ClinVar variation 1761287 (VCV001761287.2), dbSNP rs1302533609, ClinGen allele CA397115623.
Genomic context (GRCh38, chr16:88,435,484, plus strand): 5'-TCTGCTGATGTGATTTCAGATGGGCGCGGCTCCAGACCATCCCCTGCAATGGCCAGTTAC[G>A]CAGCCTCTCCGAGCCACTGCCTCTCTGTGGAAGGAGGGCCTGAGGCTGACGGGGAGCAGC-3'
Protein context (NP_001354553.1, residues 2662-2682): SRPSPAMASY[Ala2672Thr]ASPSHCLSVE